The following is an entry in ClinVar:

ClinVar aggregate classification (germline): Benign. Review status: criteria provided, multiple submitters, no conflicts (2 of 4 stars). 4 submissions from 4 submitters: Benign (3). 1 of the submissions does not count toward it. Last evaluated 2022-03-24.

Conditions:
CLTCL1-related disorder. Also called: CLTCL1-related condition.

Allele frequency attached by ClinVar (database versions not stated): gnomAD exomes 0.06626 and 0.06663; gnomAD 0.06186 and 0.06188; ESP Exome Variant Server 0.05999; 1000 Genomes Project 30x 0.05465; ExAC 0.06587; 1000 Genomes Project 0.05511; TOPMed 0.06587.

Submissions (4):

Mayo Clinic Laboratories, Mayo Clinic
Classification: Benign. Last evaluated: 2022-03-24. Review status: criteria provided, single submitter. Criteria: ACMG Guidelines, 2015. Collection method: clinical testing. Allele origin: germline. Observed: 111 variant alleles.

GeneDx
Classification: Benign. Last evaluated: 2018-12-03. Review status: criteria provided, single submitter. Criteria: GeneDx Variant Classification Process June 2021. Collection method: clinical testing. Allele origin: germline. Affected: yes.

Breakthrough Genomics
Classification: Benign. Review status: criteria provided, single submitter. Criteria: ACMG Guidelines, 2015. Collection method: not provided. Allele origin: germline. Inheritance: Unknown mechanism. Affected: yes.

PreventionGenetics, part of Exact Sciences
Classification: Benign for CLTCL1-related condition. Last evaluated: 2019-03-27. Review status: no assertion criteria provided. Collection method: clinical testing. Allele origin: germline. Not counted in ClinVar's aggregate classification.
Comment: This variant is classified as benign based on ACMG/AMP sequence variant interpretation guidelines (Richards et al. 2015 PMID: 25741868, with internal and published modifications).

NM_007098.4(CLTCL1):c.836A>G (p.Tyr279Cys)

Gene: CLTCL1 (clathrin heavy chain like 1; minus strand). Cytogenetic location: 22q11.21.
Variant type: single nucleotide variant.
Coding change: c.836A>G on transcript NM_007098.4 (MANE Select); coding-DNA position 836, A replaced by G.
Protein change: p.Tyr279Cys; replaces tyrosine 279 with cysteine.
Molecular consequence: missense variant.
Genome position (GRCh38, 1-based): chr22:19,235,829, T>C on the plus strand (A>G on the coding strand, the complement: CLTCL1 is on the minus strand). VCF-style: chr22-19235829-T-C. GRCh37 (hg19) VCF-style: chr22-19223352-T-C.
Other names: p.Tyr279Cys; c.836A>G, p.Tyr279Cys (NM_001835.4); short protein forms Y279C.
Identifiers: ClinVar variation 1230843 (VCV001230843.7), dbSNP rs807459, ClinGen allele CA10098874.